The following is an entry in ClinVar:

NC_000009.11:g.(34644527_34645701)_(34650746_34653247)del

Genes: GALT (galactose-1-phosphate uridylyltransferase; plus strand), IL11RA (interleukin 11 receptor subunit alpha; plus strand), LOC121331325 (Sharpr-MPRA regulatory region 8240; plus strand), LOC130001682 (ATAC-STARR-seq lymphoblastoid active region 28313; plus strand), LOC130001683 (ATAC-STARR-seq lymphoblastoid active region 28314; plus strand) and 1 more. Cytogenetic location: 9p13.3.
Variant type: Deletion.
Identifiers: ClinVar variation 101049 (VCV000101049.1).

ClinVar aggregate classification (germline): Pathogenic (0 of 4 stars; one submission).

Conditions:
Deficiency of UDPglucose-hexose-1-phosphate uridylyltransferase. Also called: GALACTOSEMIA I; GALACTOSE-1-PHOSPHATE URIDYLYLTRANSFERASE DEFICIENCY; Transferase Deficiency Galactosemia; GALT deficiency; Galactosemia, classic. Identifiers: Orphanet 352, Orphanet 79239, MedGen C0268151, MONDO:0009258, OMIM 230400.

Submission:

ClinVar Staff, National Center for Biotechnology Information (NCBI)
Classification: Pathogenic for Deficiency of UDPglucose-hexose-1-phosphate uridylyltransferase. Last evaluated: 2006-10-01. Review status: no assertion criteria provided. Collection method: literature only. Allele origin: germline. Affected: yes.
Comment: PMID:17079880 shows that this deletion is not a contiguous deletion, but two deleted segments that flank a portion of exon 8 and intron 8. The deletion does include the GALT promoter and is expected to result in loss of transcription.

Literature cited by the submitters: PubMed 17079880.